The following is an entry in ClinVar:

NM_001134363.3(RBM20):c.2437A>G (p.Arg813Gly)

Gene: RBM20 (RNA binding motif protein 20; plus strand). Cytogenetic location: 10q25.2.
Variant type: single nucleotide variant.
Coding change: c.2437A>G on transcript NM_001134363.3 (MANE Select); coding-DNA position 2437, A replaced by G.
Protein change: p.Arg813Gly; replaces arginine 813 with glycine.
Molecular consequence: missense variant.
Genome position (GRCh38, 1-based): chr10:110,812,834, A>G. VCF-style: chr10-110812834-A-G. GRCh37 (hg19) VCF-style: chr10-112572592-A-G.
Other names: short protein forms R813G.
Identifiers: ClinVar variation 1425005 (VCV001425005.6), dbSNP rs2135106132, ClinGen allele CA378374032.

ClinVar aggregate classification (germline): Uncertain significance (1 of 4 stars; one submission).

Conditions:
Dilated cardiomyopathy 1DD (CMD1DD). Identifiers: Orphanet 154, MedGen C2750995, MONDO:0013168, OMIM 613172.

Submission:

Labcorp Genetics (formerly Invitae), Labcorp
Classification: Uncertain significance for Dilated cardiomyopathy 1DD. Last evaluated: 2021-10-31. Review status: criteria provided, single submitter. Criteria: Invitae Variant Classification Sherloc (09022015). Collection method: clinical testing. Allele origin: germline.
Comment: This sequence change replaces arginine, which is basic and polar, with glycine, which is neutral and non-polar, at codon 813 of the RBM20 protein (p.Arg813Gly). This variant is not present in population databases (gnomAD no frequency). This variant has not been reported in the literature in individuals affected with RBM20-related conditions. Advanced modeling of protein sequence and biophysical properties (such as structural, functional, and spatial information, amino acid conservation, physicochemical variation, residue mobility, and thermodynamic stability) performed at Invitae indicates that this missense variant is not expected to disrupt RBM20 protein function. In summary, the available evidence is currently insufficient to determine the role of this variant in disease. Therefore, it has been classified as a Variant of Uncertain Significance.